The following is an entry in ClinVar:

NM_001004334.4(GPR179):c.522C>T (p.Ile174=)

Gene: GPR179 (G protein-coupled receptor 179; minus strand). Cytogenetic location: 17q12.
Variant type: single nucleotide variant.
Coding change: c.522C>T on transcript NM_001004334.4 (MANE Select); coding-DNA position 522, C replaced by T.
Protein change: p.Ile174=; no amino-acid change (isoleucine 174 retained).
Molecular consequence: synonymous variant.
Genome position (GRCh38, 1-based): chr17:38,343,268, G>A on the plus strand (C>T on the coding strand, the complement: GPR179 is on the minus strand). VCF-style: chr17-38343268-G-A. GRCh37 (hg19) VCF-style: chr17-36499151-G-A.
Other names: c.522C>T (NM_001004334.3).
Identifiers: ClinVar variation 323038 (VCV000323038.14), dbSNP rs377062748, ClinGen allele CA10650051.

ClinVar aggregate classification (germline): Conflicting classifications of pathogenicity. Review status: criteria provided, conflicting classifications (1 of 4 stars). 4 submissions from 4 submitters: Uncertain significance (1); Likely benign (3). Last evaluated 2026-04-24.

Conditions:
Congenital stationary night blindness 1E. Also called: Night blindness, congenital stationary (complete), 1E, autosomal recessive. Identifiers: Orphanet 215, MedGen C3281215, MONDO:0013807, OMIM 614565.
GPR179-related disorder. Also called: GPR179-related condition.

Allele frequency attached by ClinVar (database versions not stated): gnomAD exomes 0.00003; TOPMed 0.00003; ExAC 0.00004; gnomAD 0.00004 and 0.00005; 1000 Genomes Project 30x 0.00016; 1000 Genomes Project 0.00020; ESP Exome Variant Server 0.00033.
gnomAD v4.1: 131 of 1,614,172 alleles (0.0081%); highest among the groups gnomAD compares: Non-Finnish European, 0.011%; no homozygotes.

Submissions (4):

PreventionGenetics, part of Exact Sciences
Classification: Likely benign for GPR179-related condition. Last evaluated: 2026-04-24. Review status: criteria provided, single submitter. Criteria: ACMG Guidelines, 2015. Collection method: clinical testing. Allele origin: germline.
Comment: This variant is classified as likely benign based on ACMG/AMP sequence variant interpretation guidelines (Richards et al. 2015 PMID: 25741868, with internal and published modifications).

Labcorp Genetics (formerly Invitae), Labcorp
Classification: Likely benign. Last evaluated: 2025-04-23. Review status: criteria provided, single submitter. Criteria: Invitae Variant Classification Sherloc (09022015). Collection method: clinical testing. Allele origin: germline.

Blueprint Genetics
Classification: Likely benign. Last evaluated: 2022-08-23. Review status: criteria provided, single submitter. Criteria: ACMG Guidelines, 2015. Collection method: clinical testing. Allele origin: germline.

Illumina Laboratory Services, Illumina
Classification: Uncertain significance for Congenital stationary night blindness 1E. Last evaluated: 2018-01-12. Review status: criteria provided, single submitter. Criteria: ICSL Variant Classification Criteria 13 December 2019. Collection method: clinical testing. Allele origin: germline.